The following is an entry in ClinVar:

ClinVar aggregate classification (germline): Pathogenic (1 of 4 stars; one submission).

Submission:

GeneDx
Classification: Pathogenic. Last evaluated: 2023-03-08. Review status: criteria provided, single submitter. Criteria: GeneDx Variant Classification Process June 2021. Collection method: clinical testing. Allele origin: germline. Affected: yes.
Comment: Canonical splice site variant predicted to result in a null allele in a gene for which loss of function is a known mechanism of disease; Not observed at significant frequency in large population cohorts (gnomAD); Has not been previously published as pathogenic or benign to our knowledge

NM_001042492.3(NF1):c.7322-2_7347del

Gene: NF1 (neurofibromin 1; plus strand). Cytogenetic location: 17q11.2.
Variant type: Deletion.
Coding change: c.7322-2_7347del on transcript NM_001042492.3 (MANE Select); the canonical splice acceptor site of the intron before coding-DNA position 7322 through coding-DNA position 7347, 28 bases deleted (AGCTTTACTTACAGTGTCTGAAGAAGTT).
Molecular consequence: splice acceptor variant.
Genome position (GRCh38, 1-based): chr17:31,350,181-31,350,208, AGCTTTACTTACAGTGTCTGAAGAAGTT deleted; deleting any 28 consecutive bases within chr17:31,350,179-31,350,208 gives the same sequence; the c. name uses the placement nearest the transcript's 3' end. VCF-style (leftmost placement, unchanged base first): chr17-31350178-TTTAGCTTTACTTACAGTGTCTGAAGAAG-T. GRCh37 (hg19) VCF-style: chr17-29677196-TTTAGCTTTACTTACAGTGTCTGAAGAAG-T.
Other names: c.7259-2_7284del (NM_000267.4).
Identifiers: ClinVar variation 2579460 (VCV002579460.1), dbSNP rs2508804987, ClinGen allele CA2580617898.